The following is an entry in ClinVar:

ClinVar aggregate classification (germline): Uncertain significance (1 of 4 stars; one submission).

Submission:

Labcorp Genetics (formerly Invitae), Labcorp
Classification: Uncertain significance. Last evaluated: 2025-11-18. Review status: criteria provided, single submitter. Criteria: Invitae Variant Classification Sherloc (09022015). Collection method: clinical testing. Allele origin: germline.
Comment: This sequence change replaces glutamine, which is neutral and polar, with leucine, which is neutral and non-polar, at codon 288 of the BICC1 protein (p.Gln288Leu). This variant is not present in population databases (gnomAD no frequency). This variant has not been reported in the literature in individuals affected with BICC1-related conditions. ClinVar contains an entry for this variant (Variation ID: 1975369). An algorithm developed to predict the effect of missense changes on protein structure and function (PolyPhen-2) suggests that this variant is likely to be disruptive. In summary, the available evidence is currently insufficient to determine the role of this variant in disease. Therefore, it has been classified as a Variant of Uncertain Significance.

NM_001080512.3(BICC1):c.863A>T (p.Gln288Leu)

Gene: BICC1 (BicC family RNA binding protein 1; plus strand). Cytogenetic location: 10q21.1.
Variant type: single nucleotide variant.
Coding change: c.863A>T on transcript NM_001080512.3 (MANE Select); coding-DNA position 863, A replaced by T.
Protein change: p.Gln288Leu; replaces glutamine 288 with leucine.
Molecular consequence: missense variant.
Genome position (GRCh38, 1-based): chr10:58,789,749, A>T. VCF-style: chr10-58789749-A-T. GRCh37 (hg19) VCF-style: chr10-60549509-A-T.
Other names: short protein forms Q288L.
Identifiers: ClinVar variation 1975369 (VCV001975369.5), dbSNP rs1843120199, ClinGen allele CA376969636.